The following is an entry in ClinVar:

ClinVar aggregate classification (germline): Pathogenic (1 of 4 stars; one submission).

Conditions:
Arrhythmogenic right ventricular dysplasia 8 (ARVD8). Also called: Arrhythmogenic Right Ventricular Dysplasia/Cardiomyopathy 8; ARRHYTHMOGENIC RIGHT VENTRICULAR DYSPLASIA, FAMILIAL, 8; ARRHYTHMOGENIC RIGHT VENTRICULAR CARDIOMYOPATHY 8. Identifiers: MedGen C1843896, MONDO:0011831, OMIM 607450.
Arrhythmogenic cardiomyopathy with wooly hair and keratoderma. Also called: Dilated cardiomyopathy with woolly hair and keratoderma; Arrhythmogenic cardiomyopathy with woolly hair and keratoderma; Carvajal syndrome; PALMOPLANTAR KERATODERMA WITH LEFT VENTRICULAR CARDIOMYOPATHY AND WOOLLY HAIR. Identifiers: Orphanet 65282, MedGen C1854063, MONDO:0011581, OMIM 605676.

Submission:

Labcorp Genetics (formerly Invitae), Labcorp
Classification: Pathogenic for Arrhythmogenic cardiomyopathy with wooly hair and keratoderma; Arrhythmogenic right ventricular dysplasia 8. Last evaluated: 2022-03-12. Review status: criteria provided, single submitter. Criteria: Invitae Variant Classification Sherloc (09022015). Collection method: clinical testing. Allele origin: germline.
Comment: For these reasons, this variant has been classified as Pathogenic. This variant disrupts a region of the DSP protein in which other variant(s) (p.Glu2728Glyfs*11) have been determined to be pathogenic (Invitae). This suggests that this is a clinically significant region of the protein, and that variants that disrupt it are likely to be disease-causing. This variant has not been reported in the literature in individuals affected with DSP-related conditions. This variant is not present in population databases (gnomAD no frequency). This sequence change creates a premature translational stop signal (p.Leu1928Lysfs*43) in the DSP gene. While this is not anticipated to result in nonsense mediated decay, it is expected to disrupt the last 944 amino acid(s) of the DSP protein.

NM_004415.4(DSP):c.5782_5785del (p.Leu1928fs)

Gene: DSP (desmoplakin; plus strand). Cytogenetic location: 6p24.3.
Variant type: Deletion.
Coding change: c.5782_5785del on transcript NM_004415.4 (MANE Select); coding-DNA positions 5782 to 5785, 4 bases deleted (TTAG; older notation c.5782_5785delTTAG).
Protein change: p.Leu1928fs; shifts the reading frame from leucine 1928.
Molecular consequence: frameshift variant.
Genome position (GRCh38, 1-based): chr6:7,583,044-7,583,047, TTAG deleted; deleting any 4 consecutive bases within chr6:7,583,042-7,583,047 gives the same sequence; the c. name uses the placement nearest the transcript's 3' end. VCF-style (leftmost placement, unchanged base first): chr6-7583041-CAGTT-C. GRCh37 (hg19) VCF-style: chr6-7583274-CAGTT-C.
Other names: c.3985_3988del, p.Leu1329fs (NM_001008844.3); c.4453_4456del, p.Leu1485fs (NM_001319034.2); short protein forms L1329fs, L1485fs, L1928fs.
Identifiers: ClinVar variation 2109944 (VCV002109944.4), dbSNP rs2533937518, ClinGen allele CA2580075503.